The following is an entry in ClinVar:

ClinVar aggregate classification (germline): Likely benign (1 of 4 stars; one submission).

Submission:

CeGaT Center for Human Genetics Tuebingen
Classification: Likely benign. Last evaluated: 2025-07-01. Review status: criteria provided, single submitter. Criteria: CeGaT Center For Human Genetics Tuebingen Variant Classification Criteria Version 2. Collection method: clinical testing. Allele origin: germline. Affected: yes. Observed: 1 variant allele.
Comment: KLF11: BP4

NM_003597.5(KLF11):c.512A>G (p.Lys171Arg)

Gene: KLF11 (KLF transcription factor 11; plus strand). Cytogenetic location: 2p25.1.
Variant type: single nucleotide variant.
Coding change: c.512A>G on transcript NM_003597.5 (MANE Select); coding-DNA position 512, A replaced by G.
Protein change: p.Lys171Arg; replaces lysine 171 with arginine.
Molecular consequence: missense variant.
Genome position (GRCh38, 1-based): chr2:10,047,849, A>G. VCF-style: chr2-10047849-A-G. GRCh37 (hg19) VCF-style: chr2-10187976-A-G.
Other names: c.461A>G, p.Lys154Arg (NM_001177716.2, NM_001177718.2); short protein forms K154R, K171R.
Identifiers: ClinVar variation 4084415 (VCV004084415.8).
Genomic context (GRCh38, chr2:10,047,849, plus strand): 5'-GGGGCGCGGAGAGGGGCTTGCTGGGTTTGGAGCCAGTGCCCAGCTCTCCCTGCAGGGCCA[A>G]GGGGACTAGCGTGATCCGACACACTGGGGAGAGCCCTGCTGCCTGCTTTCCCACCATCCA-3'
Protein context (NP_003588.1, residues 161-181): EPVPSSPCRA[Lys171Arg]GTSVIRHTGE